The following is an entry in ClinVar:

NM_017950.4(CCDC40):c.2053A>G (p.Ser685Gly)

Gene: CCDC40 (coiled-coil domain 40 molecular ruler complex subunit; plus strand). Cytogenetic location: 17q25.3.
Variant type: single nucleotide variant.
Coding change: c.2053A>G on transcript NM_017950.4 (MANE Select); coding-DNA position 2053, A replaced by G.
Protein change: p.Ser685Gly; replaces serine 685 with glycine.
Molecular consequence: missense variant.
Genome position (GRCh38, 1-based): chr17:80,084,806, A>G. VCF-style: chr17-80084806-A-G. GRCh37 (hg19) VCF-style: chr17-78058605-A-G.
Other names: c.2053A>G (NM_017950.3); c.2053A>G, p.Ser685Gly (NM_001243342.2); short protein forms S685G.
Identifiers: ClinVar variation 2171374 (VCV002171374.3), dbSNP rs764707273, ClinGen allele CA8814097.
Genomic context (GRCh38, chr17:80,084,806, plus strand): 5'-ACACATCTTTCCAAAATCAACGGTGACATTGCCCAGACCACCCTGGACATCACACACACC[A>G]GCAGCAGGCTGGACGCACACCAGAAGACCCTGGTGGAGCTGGACCAGGACGTGAAGAAAG-3'
Protein context (NP_060420.2, residues 675-695): AQTTLDITHT[Ser685Gly]SRLDAHQKTL

ClinVar aggregate classification (germline): Uncertain significance. Review status: criteria provided, multiple submitters, no conflicts (2 of 4 stars). 2 submissions from 2 submitters: Uncertain significance (2). Last evaluated 2025-11-18.

Conditions:
Primary ciliary dyskinesia. Also called: Ciliary dyskinesia. Identifiers: Orphanet 244, MedGen C0008780, MONDO:0016575, HP:0012265.

Allele frequency attached by ClinVar (database versions not stated): ExAC 0.00004; TOPMed 0.00009; gnomAD 0.00010; gnomAD exomes 0.00021.
gnomAD v4.1: 321 of 1,614,104 alleles (0.02%); highest among the groups gnomAD compares: Non-Finnish European, 0.026%; no homozygotes.

Submissions (2):

Ambry Genetics
Classification: Uncertain significance for Primary ciliary dyskinesia. Last evaluated: 2025-11-18. Review status: criteria provided, single submitter. Criteria: Ambry Variant Classification Scheme 2023. Collection method: clinical testing. Allele origin: germline.
Comment: The p.S685G variant (also known as c.2053A>G), located in coding exon 13 of the CCDC40 gene, results from an A to G substitution at nucleotide position 2053. The serine at codon 685 is replaced by glycine, an amino acid with similar properties. This amino acid position is conserved. In addition, this alteration is predicted to be tolerated by in silico analysis. Based on the available evidence, the clinical significance of this variant remains unclear.

Labcorp Genetics (formerly Invitae), Labcorp
Classification: Uncertain significance for Primary ciliary dyskinesia. Last evaluated: 2022-08-23. Review status: criteria provided, single submitter. Criteria: Invitae Variant Classification Sherloc (09022015). Collection method: clinical testing. Allele origin: germline.
Comment: This sequence change replaces serine, which is neutral and polar, with glycine, which is neutral and non-polar, at codon 685 of the CCDC40 protein (p.Ser685Gly). This variant is present in population databases (rs764707273, gnomAD 0.02%). This variant has not been reported in the literature in individuals affected with CCDC40-related conditions. Algorithms developed to predict the effect of missense changes on protein structure and function (SIFT, PolyPhen-2, Align-GVGD) all suggest that this variant is likely to be tolerated. In summary, the available evidence is currently insufficient to determine the role of this variant in disease. Therefore, it has been classified as a Variant of Uncertain Significance.